The following is an entry in ClinVar:

ClinVar aggregate classification (germline): Uncertain significance (1 of 4 stars; one submission).

Conditions:
Inborn genetic diseases. Identifiers: MedGen C0950123, MeSH D030342.

gnomAD v4.1: 3 of 1,613,922 alleles (0.00019%); highest among the groups gnomAD compares: African/African-American, 0.0027%; no homozygotes.

Submission:

Ambry Genetics
Classification: Uncertain significance for Inborn genetic diseases. Last evaluated: 2025-06-21. Review status: criteria provided, single submitter. Criteria: Ambry Variant Classification Scheme 2023. Collection method: clinical testing. Allele origin: germline.
Comment: The p.N103T variant (also known as c.308A>C), located in coding exon 1 of the SAMD9L gene, results from an A to C substitution at nucleotide position 308. The asparagine at codon 103 is replaced by threonine, an amino acid with similar properties. This amino acid position is conserved. In addition, this alteration is predicted to be tolerated by in silico analysis. Based on the available evidence, the clinical significance of this variant remains unclear.

NM_152703.5(SAMD9L):c.308A>C (p.Asn103Thr)

Gene: SAMD9L (sterile alpha motif domain containing 9 like; minus strand). Cytogenetic location: 7q21.2.
Variant type: single nucleotide variant.
Coding change: c.308A>C on transcript NM_152703.5 (MANE Select); coding-DNA position 308, A replaced by C.
Protein change: p.Asn103Thr; replaces asparagine 103 with threonine.
Molecular consequence: missense variant.
Genome position (GRCh38, 1-based): chr7:93,135,664, T>G on the plus strand (A>C on the coding strand, the complement: SAMD9L is on the minus strand). VCF-style: chr7-93135664-T-G. GRCh37 (hg19) VCF-style: chr7-92764977-T-G.
Other names: c.308A>C, p.Asn103Thr (NM_001303497.3, NM_001303498.3, NM_001303500.3 and 5 more transcripts); short protein forms N103T.
Identifiers: ClinVar variation 4159249 (VCV004159249.1).
Genomic context (GRCh38, chr7:93,135,664, plus strand): 5'-GGATCATAATCAATATTAGATGACATTGAATTTTCTTCTTCCTTTTTGGTGTGTTTTGGA[T>G]TTTTCTGGTGTTCTGTTTTGGACGGTTTTGAATTATCTAATTGTCCCGGATCATGATTGT-3'
Protein context (NP_689916.2, residues 93-113): SKPSKTEHQK[Asn103Thr]PKHTKKEEEN